The following is an entry in ClinVar:

NM_013275.6(ANKRD11):c.4623A>C (p.Glu1541Asp)

Gene: ANKRD11 (ankyrin repeat domain 11; minus strand). Cytogenetic location: 16q24.3.
Variant type: single nucleotide variant.
Coding change: c.4623A>C on transcript NM_013275.6 (MANE Select); coding-DNA position 4623, A replaced by C.
Protein change: p.Glu1541Asp; replaces glutamic acid 1541 with aspartic acid.
Molecular consequence: missense variant.
Genome position (GRCh38, 1-based): chr16:89,281,919, T>G on the plus strand (A>C on the coding strand, the complement: ANKRD11 is on the minus strand). VCF-style: chr16-89281919-T-G. GRCh37 (hg19) VCF-style: chr16-89348327-T-G.
Other names: c.4623A>C, p.Glu1541Asp (NM_001256182.2, NM_001256183.2); short protein forms E1541D.
Identifiers: ClinVar variation 4802796 (VCV004802796.1).

ClinVar aggregate classification (germline): Uncertain significance (1 of 4 stars; one submission).

Conditions:
KBG syndrome (KBGS). Also called: ANKRD11-Related KBG Syndrome. Identifiers: Orphanet 2332, MedGen C0220687, MONDO:0007846, OMIM 148050.

Submission:

Labcorp Genetics (formerly Invitae), Labcorp
Classification: Uncertain significance for KBG syndrome. Last evaluated: 2025-10-10. Review status: criteria provided, single submitter. Criteria: Invitae Variant Classification Sherloc (09022015). Collection method: clinical testing. Allele origin: germline.
Comment: This sequence change replaces glutamic acid, which is acidic and polar, with aspartic acid, which is acidic and polar, at codon 1541 of the ANKRD11 protein (p.Glu1541Asp). This variant is not present in population databases (gnomAD no frequency). This variant has not been reported in the literature in individuals affected with ANKRD11-related conditions. Invitae Evidence Modeling of protein sequence and biophysical properties (such as structural, functional, and spatial information, amino acid conservation, physicochemical variation, residue mobility, and thermodynamic stability) indicates that this missense variant is not expected to disrupt ANKRD11 protein function with a negative predictive value of 95%. In summary, the available evidence is currently insufficient to determine the role of this variant in disease. Therefore, it has been classified as a Variant of Uncertain Significance.